The following is an entry in ClinVar:

ClinVar aggregate classification (germline): Uncertain significance. Review status: criteria provided, multiple submitters, no conflicts (2 of 4 stars). 2 submissions from 2 submitters: Uncertain significance (2). Last evaluated 2025-10-27.

Conditions:
Epidermolysis bullosa simplex with nail dystrophy (EBS5D). Identifiers: MedGen C4225309, MONDO:0014661, OMIM 616487.
Epidermolysis bullosa simplex 5C, with pyloric atresia (EBS5C). Also called: PLEC-Related Epidermolysis Bullosa with Pyloric Atresia; Epidermolysis bullosa simplex with pyloric atresia; PLEC1-Related Epidermolysis Bullosa with Pyloric Atresia. Identifiers: Orphanet 158684, MedGen C2677349, MONDO:0012807, OMIM 612138.
Epidermolysis bullosa simplex 5B, with muscular dystrophy (EBS5B). Also called: Epidermolysis bullosa simplex with muscular dystrophy; EPIDERMOLYSIS BULLOSA SIMPLEX AND LIMB-GIRDLE MUSCULAR DYSTROPHY. Identifiers: Orphanet 257, MedGen C2931072, MONDO:0009181, OMIM 226670.
Epidermolysis bullosa simplex, Ogna type (EBS5A). Also called: Pidermolysis bullosa simplex 5A, Ogna type; EPIDERMOLYSIS BULLOSA SIMPLEX 5A, OGNA TYPE. Identifiers: Orphanet 79401, MedGen C0432317, MONDO:0007555, OMIM 131950.
Autosomal recessive limb-girdle muscular dystrophy type 2Q (LGMDR17). Also called: MUSCULAR DYSTROPHY, LIMB-GIRDLE, AUTOSOMAL RECESSIVE 17. Identifiers: Orphanet 254361, MedGen C3150989, MONDO:0013390, OMIM 613723.
Inborn genetic diseases. Identifiers: MedGen C0950123, MeSH D030342.

Allele frequency attached by ClinVar (database versions not stated): gnomAD 0.00001; TOPMed 0.00005.
gnomAD v4.1: 14 of 1,598,720 alleles (0.00088%); highest among the groups gnomAD compares: South Asian, 0.0044%; no homozygotes.

Submissions (2):

Labcorp Genetics (formerly Invitae), Labcorp
Classification: Uncertain significance for Autosomal recessive limb-girdle muscular dystrophy type 2Q; Epidermolysis bullosa simplex, Ogna type; Epidermolysis bullosa simplex with nail dystrophy; Epidermolysis bullosa simplex 5C, with pyloric atresia; Epidermolysis bullosa simplex 5B, with muscular dystrophy. Last evaluated: 2025-10-27. Review status: criteria provided, single submitter. Criteria: Invitae Variant Classification Sherloc (09022015). Collection method: clinical testing. Allele origin: germline.
Comment: This sequence change replaces arginine, which is basic and polar, with histidine, which is basic and polar, at codon 3926 of the PLEC protein (p.Arg3926His). The frequency data for this variant in the population databases is considered unreliable, as metrics indicate poor data quality at this position in the gnomAD database. This variant has not been reported in the literature in individuals affected with PLEC-related conditions. ClinVar contains an entry for this variant (Variation ID: 1060490). Invitae Evidence Modeling of protein sequence and biophysical properties (such as structural, functional, and spatial information, amino acid conservation, physicochemical variation, residue mobility, and thermodynamic stability) indicates that this missense variant is not expected to disrupt PLEC protein function with a negative predictive value of 80%. In summary, the available evidence is currently insufficient to determine the role of this variant in disease. Therefore, it has been classified as a Variant of Uncertain Significance.

Ambry Genetics
Classification: Uncertain significance for Inborn genetic diseases. Last evaluated: 2025-07-14. Review status: criteria provided, single submitter. Criteria: Ambry Variant Classification Scheme 2023. Collection method: clinical testing. Allele origin: germline.

NM_201384.3(PLEC):c.11696G>A (p.Arg3899His)

Gene: PLEC (plectin; minus strand). Cytogenetic location: 8q24.3.
Variant type: single nucleotide variant.
Coding change: c.11696G>A on transcript NM_201384.3 (MANE Select); coding-DNA position 11696, G replaced by A.
Protein change: p.Arg3899His; replaces arginine 3899 with histidine.
Molecular consequence: missense variant.
Genome position (GRCh38, 1-based): chr8:143,918,125, C>T on the plus strand (G>A on the coding strand, the complement: PLEC is on the minus strand). VCF-style: chr8-143918125-C-T. GRCh37 (hg19) VCF-style: chr8-144992293-C-T.
Other names: c.11777G>A, p.Arg3926His (NM_000445.5); c.11654G>A, p.Arg3885His (NM_201378.4); c.11630G>A, p.Arg3877His (NM_201379.3); c.12107G>A, p.Arg4036His (NM_201380.4); c.11600G>A, p.Arg3867His (NM_201381.3); c.11696G>A, p.Arg3899His (NM_201382.4); c.11708G>A, p.Arg3903His (NM_201383.3); c.11777G>A (NM_000445.3); short protein forms R3867H, R3877H, R3885H, R3899H, R3903H, R3926H, R4036H.
Identifiers: ClinVar variation 1060490 (VCV001060490.10), dbSNP rs782307503, ClinGen allele CA4924267.